The following is an entry in ClinVar:

NM_006270.5(RRAS):c.174C>T (p.Tyr58=)

Gene: RRAS (RAS related; minus strand). Cytogenetic location: 19q13.33.
Variant type: single nucleotide variant.
Coding change: c.174C>T on transcript NM_006270.5 (MANE Select); coding-DNA position 174, C replaced by T.
Protein change: p.Tyr58=; no amino-acid change (tyrosine 58 retained).
Molecular consequence: synonymous variant.
Genome position (GRCh38, 1-based): chr19:49,637,110, G>A on the plus strand (C>T on the coding strand, the complement: RRAS is on the minus strand). VCF-style: chr19-49637110-G-A. GRCh37 (hg19) VCF-style: chr19-50140367-G-A.
Identifiers: ClinVar variation 527797 (VCV000527797.33), dbSNP rs145282813, ClinGen allele CA9579128.

ClinVar aggregate classification (germline): Benign/Likely benign. Review status: criteria provided, multiple submitters, no conflicts (2 of 4 stars). 7 submissions from 7 submitters: Benign (1); Likely benign (6). Last evaluated 2026-01-20.

Conditions:
Noonan syndrome (NS). Also called: Noonan's syndrome. Identifiers: Orphanet 648, MedGen C0028326, MeSH D009634, MONDO:0018997. Disease mechanism: gain of function.

Allele frequency attached by ClinVar (database versions not stated): gnomAD exomes 0.00023 and 0.00042; ExAC 0.00040; ESP Exome Variant Server 0.00046; gnomAD 0.00049 and 0.00055; TOPMed 0.00062.

Submissions (7):

Labcorp Genetics (formerly Invitae), Labcorp
Classification: Likely benign for Noonan syndrome. Last evaluated: 2026-01-20. Review status: criteria provided, single submitter. Criteria: Invitae Variant Classification Sherloc (09022015). Collection method: clinical testing. Allele origin: germline.

CeGaT Center for Human Genetics Tuebingen
Classification: Likely benign. Last evaluated: 2025-01-01. Review status: criteria provided, single submitter. Criteria: CeGaT Center For Human Genetics Tuebingen Variant Classification Criteria Version 2. Collection method: clinical testing. Allele origin: germline. Affected: yes. Observed: 1 variant allele.
Comment: RRAS: BP4, BP7

Blueprint Genetics
Classification: Likely benign. Last evaluated: 2024-11-25. Review status: criteria provided, single submitter. Criteria: ACMG Guidelines, 2015. Collection method: clinical testing. Allele origin: germline.

Ambry Genetics
Classification: Likely benign. Last evaluated: 2022-03-21. Review status: criteria provided, single submitter. Criteria: Ambry Variant Classification Scheme 2023. Collection method: clinical testing. Allele origin: germline.

Women's Health and Genetics/Laboratory Corporation of America, LabCorp
Classification: Benign. Last evaluated: 2020-10-08. Review status: criteria provided, single submitter. Criteria: LabCorp Variant Classification Summary - May 2015. Collection method: clinical testing. Allele origin: germline.

GeneDx
Classification: Likely benign. Last evaluated: 2020-09-29. Review status: criteria provided, single submitter. Criteria: GeneDx Variant Classification Process June 2021. Collection method: clinical testing. Allele origin: germline. Affected: yes.

Breakthrough Genomics
Classification: Likely benign. Review status: criteria provided, single submitter. Criteria: ACMG Guidelines, 2015. Collection method: not provided. Allele origin: germline. Inheritance: Unknown mechanism. Affected: yes.